The following is an entry in ClinVar:

NM_001352514.2(HLCS):c.774_775insTGTTCTCGGCAGACGCAAA (p.Leu259fs)

Gene: HLCS (holocarboxylase synthetase; minus strand). Cytogenetic location: 21q22.13.
Variant type: Insertion.
Coding change: c.774_775insTGTTCTCGGCAGACGCAAA on transcript NM_001352514.2 (MANE Select); coding-DNA positions 774 to 775, TGTTCTCGGCAGACGCAAA inserted.
Protein change: p.Leu259fs; shifts the reading frame from leucine 259.
Molecular consequence: frameshift variant. On other transcripts: non-coding transcript variant (2).
Genome position: GRCh38 VCF-style: chr21-36937111-G-GTTTGCGTCTGCCGAGAACA. GRCh37 (hg19) VCF-style: chr21-38309411-G-GTTTGCGTCTGCCGAGAACA.
Other names: c.333_334insTGTTCTCGGCAGACGCAAA, p.Leu112fs (NM_000411.8, NM_001242784.3, NM_001242785.2 and 4 more transcripts); short protein forms L112fs, L259fs.
Identifiers: ClinVar variation 1724546 (VCV001724546.2), dbSNP rs2517581250, ClinGen allele CA2580098722.

ClinVar aggregate classification (germline): Likely pathogenic (1 of 4 stars; one submission).

Conditions:
Holocarboxylase synthetase deficiency. Also called: MULTIPLE CARBOXYLASE DEFICIENCY, EARLY ONSET. Identifiers: Orphanet 79242, MedGen C0268581, MONDO:0009666, OMIM 253270.

Submission:

Myriad Genetics, Inc.
Classification: Likely pathogenic for Holocarboxylase synthetase deficiency. Last evaluated: 2022-02-19. Review status: criteria provided, single submitter. Criteria: Myriad Women's Health Autosomal Recessive and X-Linked Classification Criteria (2021). Collection method: clinical testing. Allele origin: unknown.
Comment: NM_000411.6(HLCS):c.333_334ins19(L112Cfs*8) is expected to be pathogenic in the context of holocarboxylase synthetase deficiency. This variant is predicted to lead to an abnormal or absent protein product due to the creation of a premature termination codon in HLCS, a gene where loss-of-function variants are known to be pathogenic. Please note: this variant was assessed in the context of healthy population screening.